The following is an entry in ClinVar:

NM_001032283.3(TMPO):c.208G>A (p.Glu70Lys)

Genes: TMPO (thymopoietin; plus strand), TMPO-AS1 (TMPO antisense RNA 1; minus strand). Cytogenetic location: 12q23.1.
Variant type: single nucleotide variant.
Coding change: c.208G>A on transcript NM_001032283.3 (MANE Select); coding-DNA position 208, G replaced by A.
Protein change: p.Glu70Lys; replaces glutamic acid 70 with lysine.
Molecular consequence: missense variant. On other transcripts: non-coding transcript variant (1).
Genome position (GRCh38, 1-based): chr12:98,516,075, G>A. VCF-style: chr12-98516075-G-A. GRCh37 (hg19) VCF-style: chr12-98909853-G-A.
Other names: c.208G>A, p.Glu70Lys (NM_001032284.3, NM_001307975.2, NM_003276.2); short protein forms E70K.
Identifiers: ClinVar variation 4777575 (VCV004777575.1).

ClinVar aggregate classification (germline): Uncertain significance (1 of 4 stars; one submission).

Conditions:
Loeys-Dietz syndrome 2 (LDS2). Also called: TGFBR2-Related Loeys-Dietz Syndrome; AORTIC ANEURYSM, FAMILIAL THORACIC 3; MARFAN SYNDROME, TYPE II; Marfan syndrome, type 2 (formerly); Marfan Syndrome type 2; Marfan like connective tissue disorder. Identifiers: Orphanet 284973, Orphanet 558, MedGen C2674574, MONDO:0012427, OMIM 610168.

gnomAD v4.1: 15 of 1,604,078 alleles (0.00094%); highest among the groups gnomAD compares: African/African-American, 0.0013%; no homozygotes.

Submission:

Labcorp Genetics (formerly Invitae), Labcorp
Classification: Uncertain significance for Loeys-Dietz syndrome 2. Last evaluated: 2025-10-21. Review status: criteria provided, single submitter. Criteria: Invitae Variant Classification Sherloc (09022015). Collection method: clinical testing. Allele origin: germline.
Comment: This sequence change replaces glutamic acid, which is acidic and polar, with lysine, which is basic and polar, at codon 70 of the TMPO protein (p.Glu70Lys). This variant is present in population databases (no rsID available, gnomAD 0.008%). This variant has not been reported in the literature in individuals affected with TMPO-related conditions. An algorithm developed to predict the effect of missense changes on protein structure and function (PolyPhen-2) suggests that this variant is likely to be disruptive. In summary, the available evidence is currently insufficient to determine the role of this variant in disease. Therefore, it has been classified as a Variant of Uncertain Significance.